The following is an entry in ClinVar:

ClinVar aggregate classification (germline): Uncertain significance. Review status: criteria provided, multiple submitters, no conflicts (2 of 4 stars). 2 submissions from 2 submitters: Uncertain significance (2). Last evaluated 2024-11-07.

Conditions:
Hereditary cancer-predisposing syndrome. Also called: Hereditary Cancer Syndrome; Hereditary neoplastic syndrome; Neoplastic Syndromes, Hereditary; Tumor predisposition. Identifiers: Orphanet 140162, MedGen C0027672, MeSH D009386, MONDO:0015356.
Tuberous sclerosis 2 (TSC2). Identifiers: Orphanet 805, MedGen C1860707, MONDO:0013199, OMIM 613254.

Submissions (2):

Labcorp Genetics (formerly Invitae), Labcorp
Classification: Uncertain significance for Tuberous sclerosis 2. Last evaluated: 2024-11-07. Review status: criteria provided, single submitter. Criteria: Invitae Variant Classification Sherloc (09022015). Collection method: clinical testing. Allele origin: germline.
Comment: This sequence change replaces serine, which is neutral and polar, with proline, which is neutral and non-polar, at codon 457 of the TSC2 protein (p.Ser457Pro). This variant is not present in population databases (gnomAD no frequency). This variant has not been reported in the literature in individuals affected with TSC2-related conditions. ClinVar contains an entry for this variant (Variation ID: 2882066). Invitae Evidence Modeling of protein sequence and biophysical properties (such as structural, functional, and spatial information, amino acid conservation, physicochemical variation, residue mobility, and thermodynamic stability) indicates that this missense variant is not expected to disrupt TSC2 protein function with a negative predictive value of 95%. In summary, the available evidence is currently insufficient to determine the role of this variant in disease. Therefore, it has been classified as a Variant of Uncertain Significance.

Ambry Genetics
Classification: Uncertain significance for Hereditary cancer-predisposing syndrome. Last evaluated: 2024-10-20. Review status: criteria provided, single submitter. Criteria: Ambry Variant Classification Scheme 2023. Collection method: clinical testing. Allele origin: germline.
Comment: The p.S457P variant (also known as c.1369T>C), located in coding exon 13 of the TSC2 gene, results from a T to C substitution at nucleotide position 1369. The serine at codon 457 is replaced by proline, an amino acid with similar properties. This amino acid position is conserved. In addition, the in silico prediction for this alteration is inconclusive. Based on the available evidence, the clinical significance of this variant remains unclear.

NM_000548.5(TSC2):c.1369T>C (p.Ser457Pro)

Gene: TSC2 (TSC complex subunit 2; plus strand). Cytogenetic location: 16p13.3.
Variant type: single nucleotide variant.
Coding change: c.1369T>C on transcript NM_000548.5 (MANE Select); coding-DNA position 1369, T replaced by C.
Protein change: p.Ser457Pro; replaces serine 457 with proline.
Molecular consequence: missense variant. On other transcripts: non-coding transcript variant (5), intron variant (1).
Genome position (GRCh38, 1-based): chr16:2,062,979, T>C. VCF-style: chr16-2062979-T-C. GRCh37 (hg19) VCF-style: chr16-2112980-T-C.
Other names: c.1369T>C, p.Ser457Pro (NM_001406663.1, NM_001406664.1, NM_001406665.1 and 6 more transcripts); c.1459T>C, p.Ser487Pro (NM_001406667.1, NM_001406668.1); c.1258T>C, p.Ser420Pro (NM_001406670.1, NM_001318827.2, NM_001406678.1); c.1357T>C, p.Ser453Pro (NM_001406671.1, NM_001406673.1); c.1222T>C, p.Ser408Pro (NM_001406675.1, NM_001406676.1, NM_001318829.2 and 1 more transcripts); c.769T>C, p.Ser257Pro (NM_001318831.2, NM_001406680.1, NM_001406682.1 and 6 more transcripts); c.1402T>C, p.Ser468Pro (NM_001318832.2); c.1312T>C, p.Ser438Pro (NM_001406677.1); and 3 more; short protein forms S257P, S303P, S420P, S453P, S487P, S468P, S408P, S9P.
Identifiers: ClinVar variation 2882066 (VCV002882066.4), dbSNP rs2151170866, ClinGen allele CA394323613.